The following is an entry in ClinVar:

ClinVar aggregate classification (germline): Uncertain significance (1 of 4 stars; one submission).

Conditions:
PLEC-related disorder. Also called: PLEC-related condition; PLEC-related disorders.

gnomAD v4.1: 16 of 1,571,972 alleles (0.001%); highest among the groups gnomAD compares: Admixed American, 0.0092%; no homozygotes.

Submission:

PreventionGenetics, part of Exact Sciences
Classification: Uncertain significance for PLEC-related condition. Last evaluated: 2026-04-21. Review status: criteria provided, single submitter. Criteria: ACMG Guidelines, 2015. Collection method: clinical testing. Allele origin: germline.
Comment: The PLEC c.25C>T variant is predicted to result in the amino acid substitution p.Arg9Trp. To our knowledge, this variant has not been reported in the literature. This variant is reported in 0.0036% of alleles in individuals of Latino descent in gnomAD. In the NM_000445 transcript this variant is deep intronic (c.194-11990C>T). At this time, the clinical significance of this variant is uncertain due to the absence of conclusive functional and genetic evidence.

NM_201378.4(PLEC):c.71-11990C>T

Gene: PLEC (plectin; minus strand). Cytogenetic location: 8q24.3.
Variant type: single nucleotide variant.
Coding change: c.71-11990C>T on transcript NM_201378.4 (MANE Plus Clinical); 11990 bases into the intron before coding-DNA position 71, C replaced by T.
Molecular consequence: intron variant. On other transcripts: missense variant (1).
Genome position (GRCh38, 1-based): chr8:143,950,682, G>A on the plus strand (C>T on the coding strand, the complement: PLEC is on the minus strand). VCF-style: chr8-143950682-G-A. GRCh37 (hg19) VCF-style: chr8-145024850-G-A.
Other names: c.25C>T, p.Arg9Trp (NM_201380.4); c.194-11990C>T (NM_001410941.1, NM_000445.5); c.46+3044C>T (NM_201379.3); short protein forms R9W.
Identifiers: ClinVar variation 4979193 (VCV004979193.1).